The following is an entry in ClinVar:

ClinVar aggregate classification (germline): Conflicting classifications of pathogenicity. Review status: criteria provided, conflicting classifications (1 of 4 stars). 5 submissions from 5 submitters: Uncertain significance (2); Likely benign (3). Last evaluated 2026-08-01.

Conditions:
Bethlem myopathy 1A. Also called: Bethlem Muscular Dystrophy; MYOPATHY, BENIGN CONGENITAL, WITH CONTRACTURES; Bethlem myopathy 1. Identifiers: Orphanet 610, MedGen CN029274, MONDO:0024530, OMIM 158810.

Allele frequency attached by ClinVar (database versions not stated): ExAC 0.00009; gnomAD exomes 0.00012 and 0.00023; TOPMed 0.00020; ESP Exome Variant Server 0.00023; gnomAD 0.00029.

Submissions (5):

CeGaT Center for Human Genetics Tuebingen
Classification: Likely benign. Last evaluated: 2026-08-01. Review status: criteria provided, single submitter. Criteria: CeGaT Center For Human Genetics Tuebingen Variant Classification Criteria Version 2. Collection method: clinical testing. Allele origin: germline. Affected: yes. Observed: 4 variant alleles.
Comment: COL6A2: BP4

Labcorp Genetics (formerly Invitae), Labcorp
Classification: Likely benign for Bethlem myopathy 1A. Last evaluated: 2026-01-01. Review status: criteria provided, single submitter. Criteria: Invitae Variant Classification Sherloc (09022015). Collection method: clinical testing. Allele origin: germline.

Revvity Omics, Revvity
Classification: Likely benign. Last evaluated: 2024-05-03. Review status: criteria provided, single submitter. Criteria: ACMG Guidelines, 2015. Collection method: clinical testing. Allele origin: germline.

GeneDx
Classification: Uncertain significance. Last evaluated: 2021-02-10. Review status: criteria provided, single submitter. Criteria: GeneDx Variant Classification Process June 2021. Collection method: clinical testing. Allele origin: germline. Affected: yes.
Comment: Reported as a variant of uncertain significance in the heterozygous state in a patient with suspected LGMD; however, no additional information was provided (Nallamilli et al., 2018); In silico analysis, which includes protein predictors and evolutionary conservation, supports that this variant does not alter protein structure/function; This variant is associated with the following publications: (PMID: 30564623)

Eurofins Ntd Llc (ga)
Classification: Uncertain significance. Last evaluated: 2016-10-12. Review status: criteria provided, single submitter. Criteria: EGL Classification Definitions 2015. Collection method: clinical testing. Allele origin: germline. Observed: 2 variant alleles, 2 heterozygotes.

NM_001849.4(COL6A2):c.2608G>A (p.Asp870Asn)

Gene: COL6A2 (collagen type VI alpha 2 chain; plus strand). Cytogenetic location: 21q22.3.
Variant type: single nucleotide variant.
Coding change: c.2608G>A on transcript NM_001849.4 (MANE Select); coding-DNA position 2608, G replaced by A.
Protein change: p.Asp870Asn; replaces aspartic acid 870 with asparagine.
Molecular consequence: missense variant.
Genome position (GRCh38, 1-based): chr21:46,132,100, G>A. VCF-style: chr21-46132100-G-A. GRCh37 (hg19) VCF-style: chr21-47552014-G-A.
Other names: short protein forms D870N.
Identifiers: ClinVar variation 425279 (VCV000425279.62), dbSNP rs145785230, ClinGen allele CA10072948.